The following is an entry in ClinVar:

NM_201384.3(PLEC):c.9865A>G (p.Ile3289Val)

Gene: PLEC (plectin; minus strand). Cytogenetic location: 8q24.3.
Variant type: single nucleotide variant.
Coding change: c.9865A>G on transcript NM_201384.3 (MANE Select); coding-DNA position 9865, A replaced by G.
Protein change: p.Ile3289Val; replaces isoleucine 3289 with valine.
Molecular consequence: missense variant.
Genome position (GRCh38, 1-based): chr8:143,919,956, T>C on the plus strand (A>G on the coding strand, the complement: PLEC is on the minus strand). VCF-style: chr8-143919956-T-C. GRCh37 (hg19) VCF-style: chr8-144994124-T-C.
Other names: c.9877A>G, p.Ile3293Val (NM_201383.3); c.9946A>G, p.Ile3316Val (NM_000445.5); c.9823A>G, p.Ile3275Val (NM_201378.4); c.9799A>G, p.Ile3267Val (NM_201379.3); c.10276A>G, p.Ile3426Val (NM_201380.4); c.9769A>G, p.Ile3257Val (NM_201381.3); c.9865A>G, p.Ile3289Val (NM_201382.4); c.9946A>G (NM_000445.3); short protein forms I3257V, I3426V, I3293V, I3316V, I3267V, I3275V, I3289V.
Identifiers: ClinVar variation 1481854 (VCV001481854.10), dbSNP rs2131033863, ClinGen allele CA372506180.

ClinVar aggregate classification (germline): Uncertain significance. Review status: criteria provided, multiple submitters, no conflicts (2 of 4 stars). 2 submissions from 2 submitters: Uncertain significance (2). Last evaluated 2021-03-19.

Conditions:
Autosomal recessive limb-girdle muscular dystrophy type 2Q (LGMDR17). Also called: MUSCULAR DYSTROPHY, LIMB-GIRDLE, AUTOSOMAL RECESSIVE 17. Identifiers: Orphanet 254361, MedGen C3150989, MONDO:0013390, OMIM 613723.
Epidermolysis bullosa simplex 5B, with muscular dystrophy (EBS5B). Also called: EPIDERMOLYSIS BULLOSA SIMPLEX AND LIMB-GIRDLE MUSCULAR DYSTROPHY; Epidermolysis bullosa simplex with muscular dystrophy. Identifiers: Orphanet 257, MedGen C2931072, MONDO:0009181, OMIM 226670.
Epidermolysis bullosa simplex, Ogna type (EBS5A). Also called: Pidermolysis bullosa simplex 5A, Ogna type; EPIDERMOLYSIS BULLOSA SIMPLEX 5A, OGNA TYPE. Identifiers: Orphanet 79401, MedGen C0432317, MONDO:0007555, OMIM 131950.
Epidermolysis bullosa simplex with nail dystrophy (EBS5D). Identifiers: MedGen C4225309, MONDO:0014661, OMIM 616487.
Epidermolysis bullosa simplex 5C, with pyloric atresia (EBS5C). Also called: Epidermolysis bullosa simplex with pyloric atresia; PLEC1-Related Epidermolysis Bullosa with Pyloric Atresia; PLEC-Related Epidermolysis Bullosa with Pyloric Atresia. Identifiers: Orphanet 158684, MedGen C2677349, MONDO:0012807, OMIM 612138.

Submissions (2):

Labcorp Genetics (formerly Invitae), Labcorp
Classification: Uncertain significance for Autosomal recessive limb-girdle muscular dystrophy type 2Q; Epidermolysis bullosa simplex, Ogna type; Epidermolysis bullosa simplex with nail dystrophy; Epidermolysis bullosa simplex 5C, with pyloric atresia; Epidermolysis bullosa simplex 5B, with muscular dystrophy. Last evaluated: 2021-03-19. Review status: criteria provided, single submitter. Criteria: Invitae Variant Classification Sherloc (09022015). Collection method: clinical testing. Allele origin: germline.
Comment: Algorithms developed to predict the effect of missense changes on protein structure and function are either unavailable or do not agree on the potential impact of this missense change (SIFT: "Tolerated"; PolyPhen-2: "Possibly Damaging"; Align-GVGD: "Class C0"). In summary, the available evidence is currently insufficient to determine the role of this variant in disease. Therefore, it has been classified as a Variant of Uncertain Significance. This variant has not been reported in the literature in individuals with PLEC-related conditions. This variant is not present in population databases (ExAC no frequency). This sequence change replaces isoleucine with valine at codon 3316 of the PLEC protein (p.Ile3316Val). The isoleucine residue is highly conserved and there is a small physicochemical difference between isoleucine and valine.

Revvity Omics, Revvity
Classification: Uncertain significance. Last evaluated: 2020-11-30. Review status: criteria provided, single submitter. Criteria: ACMG Guidelines, 2015. Collection method: clinical testing. Allele origin: germline.